The following is an entry in ClinVar:

NM_001080467.3(MYO5B):c.4701G>A (p.Glu1567=)

Genes: MYO5B (myosin VB; minus strand), SNHG22 (small nucleolar RNA host gene 22; plus strand). Cytogenetic location: 18q21.1.
Variant type: single nucleotide variant.
Coding change: c.4701G>A on transcript NM_001080467.3 (MANE Select); coding-DNA position 4701, G replaced by A.
Protein change: p.Glu1567=; no amino-acid change (glutamic acid 1567 retained).
Molecular consequence: synonymous variant.
Genome position (GRCh38, 1-based): chr18:49,841,365, C>T on the plus strand (G>A on the coding strand, the complement: MYO5B is on the minus strand). VCF-style: chr18-49841365-C-T. GRCh37 (hg19) VCF-style: chr18-47367735-C-T.
Identifiers: ClinVar variation 4732198 (VCV004732198.1).
Genomic context (GRCh38, chr18:49,841,365, plus strand): 5'-CTTCTCAACCACATTTGGATGAAGCAGGAATGCCTCCTGGGTGCCTGGCTCCCCACTCAC[C>T]TCATCCCCGCTGTACTGCTTCAGACAGTGAAGAAGGCGGCAGGTGTTGGATAACCAGAAT-3'
Protein context (NP_001073936.1, residues 1557-1577): LHCLKQYSGD[Glu1567=]GFMTQNTAKQ

ClinVar aggregate classification (germline): Uncertain significance (1 of 4 stars; one submission).

Submission:

Labcorp Genetics (formerly Invitae), Labcorp
Classification: Uncertain significance. Last evaluated: 2025-11-28. Review status: criteria provided, single submitter. Criteria: Invitae Variant Classification Sherloc (09022015). Collection method: clinical testing. Allele origin: germline.
Comment: This sequence change affects codon 1567 of the MYO5B mRNA. It is a 'silent' change, meaning that it does not change the encoded amino acid sequence of the MYO5B protein. This variant also falls at the last nucleotide of exon 35, which is part of the consensus splice site for this exon. This variant is not present in population databases (gnomAD no frequency). This variant has not been reported in the literature in individuals affected with MYO5B-related conditions. Variants that disrupt the consensus splice site are a relatively common cause of aberrant splicing (PMID: 17576681, 9536098). Algorithms developed to predict the effect of sequence changes on RNA splicing suggest that this variant may disrupt the consensus splice site. In summary, the available evidence is currently insufficient to determine the role of this variant in disease. Therefore, it has been classified as a Variant of Uncertain Significance.

Literature cited by the submitters: PubMed 17576681; PubMed 9536098.